The following is an entry in ClinVar:

NM_006922.4(SCN3A):c.781T>A (p.Phe261Ile)

Gene: SCN3A (sodium voltage-gated channel alpha subunit 3; minus strand). Cytogenetic location: 2q24.3.
Variant type: single nucleotide variant.
Coding change: c.781T>A on transcript NM_006922.4 (MANE Select); coding-DNA position 781, T replaced by A.
Protein change: p.Phe261Ile; replaces phenylalanine 261 with isoleucine.
Molecular consequence: missense variant.
Genome position (GRCh38, 1-based): chr2:165,162,742, A>T on the plus strand (T>A on the coding strand, the complement: SCN3A is on the minus strand). VCF-style: chr2-165162742-A-T. GRCh37 (hg19) VCF-style: chr2-166019252-A-T.
Other names: c.781T>A, p.Phe261Ile (NM_001081676.2, NM_001081677.2); short protein forms F261I.
Identifiers: ClinVar variation 1303461 (VCV001303461.2), dbSNP rs774900155, ClinGen allele CA60230244.
Genomic context (GRCh38, chr2:165,162,742, plus strand): 5'-GCCACTGCAAACATTTATTCCTCAGATTGCCCATGAACAGCTGCAGCCCAATGAGAGCAA[A>T]CACGCTCAGACAGAACACAGTCAGGATCATCACATCAGAAAGCTTCTTTACCGACTGGAT-3'
Protein context (NP_008853.3, residues 251-271): MILTVFCLSV[Phe261Ile]ALIGLQLFMG

ClinVar aggregate classification (germline): Uncertain significance (1 of 4 stars; one submission).

Allele frequency attached by ClinVar (database versions not stated): gnomAD exomes 0.00001.
gnomAD v4.1: 7 of 1,614,136 alleles (0.00043%); highest among the groups gnomAD compares: Non-Finnish European, 0.00059%; no homozygotes.

Submission:

GeneDx
Classification: Uncertain significance. Last evaluated: 2019-04-18. Review status: criteria provided, single submitter. Criteria: GeneDx Variant Classification Process June 2021. Collection method: clinical testing. Allele origin: germline. Affected: yes.
Comment: Not observed in large population cohorts (Lek et al., 2016); In silico analysis, which includes protein predictors and evolutionary conservation, supports a deleterious effect; Has not been previously published as pathogenic or benign to our knowledge